The following is an entry in ClinVar:

NM_003036.4(SKI):c.881A>G (p.Lys294Arg)

Gene: SKI (SKI proto-oncogene; plus strand). Cytogenetic location: 1p36.33.
Variant type: single nucleotide variant.
Coding change: c.881A>G on transcript NM_003036.4 (MANE Select); coding-DNA position 881, A replaced by G.
Protein change: p.Lys294Arg; replaces lysine 294 with arginine.
Molecular consequence: missense variant.
Genome position (GRCh38, 1-based): chr1:2,229,647, A>G. VCF-style: chr1-2229647-A-G. GRCh37 (hg19) VCF-style: chr1-2161086-A-G.
Other names: p.Lys294Arg; short protein forms K294R.
Identifiers: ClinVar variation 3379847 (VCV003379847.1).

ClinVar aggregate classification (germline): Uncertain significance (1 of 4 stars; one submission).

gnomAD v4.1: 2 of 1,612,118 alleles (0.00012%); highest among the groups gnomAD compares: Non-Finnish European, 0.00017%; no homozygotes.

Submission:

Mayo Clinic Laboratories, Mayo Clinic
Classification: Uncertain significance. Last evaluated: 2024-08-22. Review status: criteria provided, single submitter. Criteria: ACMG Guidelines, 2015. Collection method: clinical testing. Allele origin: germline. Observed: 1 variant allele.
Comment: PM2